The following is an entry in ClinVar:

ClinVar aggregate classification (germline): Uncertain significance. Review status: criteria provided, multiple submitters, no conflicts (2 of 4 stars). 2 submissions from 2 submitters: Uncertain significance (2). Last evaluated 2023-12-09.

Allele frequency attached by ClinVar (database versions not stated): gnomAD exomes 0.00001; ExAC 0.00002; gnomAD 0.00003; TOPMed 0.00003.

Submissions (2):

Ambry Genetics
Classification: Uncertain significance. Last evaluated: 2023-12-09. Review status: criteria provided, single submitter. Criteria: Ambry Variant Classification Scheme 2023. Collection method: clinical testing. Allele origin: germline.

Labcorp Genetics (formerly Invitae), Labcorp
Classification: Uncertain significance. Last evaluated: 2022-06-14. Review status: criteria provided, single submitter. Criteria: Invitae Variant Classification Sherloc (09022015). Collection method: clinical testing. Allele origin: germline.
Comment: This sequence change replaces alanine, which is neutral and non-polar, with threonine, which is neutral and polar, at codon 470 of the GLYCTK protein (p.Ala470Thr). This variant is present in population databases (rs749904278, gnomAD 0.009%). This variant has not been reported in the literature in individuals affected with GLYCTK-related conditions. Algorithms developed to predict the effect of missense changes on protein structure and function output the following: SIFT: "Tolerated"; PolyPhen-2: "Benign"; Align-GVGD: "Class C0". The threonine amino acid residue is found in multiple mammalian species, which suggests that this missense change does not adversely affect protein function. In summary, the available evidence is currently insufficient to determine the role of this variant in disease. Therefore, it has been classified as a Variant of Uncertain Significance.

NM_145262.4(GLYCTK):c.1408G>A (p.Ala470Thr)

Gene: GLYCTK (glycerate kinase; plus strand). Cytogenetic location: 3p21.2.
Variant type: single nucleotide variant.
Coding change: c.1408G>A on transcript NM_145262.4 (MANE Select); coding-DNA position 1408, G replaced by A.
Protein change: p.Ala470Thr; replaces alanine 470 with threonine.
Molecular consequence: missense variant. On other transcripts: 3 prime UTR variant (1), non-coding transcript variant (2).
Genome position (GRCh38, 1-based): chr3:52,292,962, G>A. VCF-style: chr3-52292962-G-A. GRCh37 (hg19) VCF-style: chr3-52326978-G-A.
Other names: c.*527G>A (NM_001144951.2); short protein forms A470T.
Identifiers: ClinVar variation 1895780 (VCV001895780.6), dbSNP rs749904278, ClinGen allele CA2432320.
Genomic context (GRCh38, chr3:52,292,962, plus strand): 5'-GGCACCGATGGGCAGGATGGGCCCACAGAGGCTGCTGGGGCCTGGGTCACACCTGAGCTT[G>A]CCAGCCAGGCTGCAGCTGAGGGCCTGGACATAGCCACCTTCCTAGCCCACAATGACTCAC-3'
Protein context (NP_660305.2, residues 460-480): AAGAWVTPEL[Ala470Thr]SQAAAEGLDI